The following is an entry in ClinVar:

ClinVar aggregate classification (germline): Uncertain significance (1 of 4 stars; one submission).

Conditions:
Familial cancer of breast. Also called: hereditary breast carcinoma; BREAST CANCER, FAMILIAL; Hereditary breast cancer. Identifiers: Orphanet 227535, MedGen C0346153, MONDO:0016419, OMIM 114480. Disease mechanism: loss of function.

Submission:

Labcorp Genetics (formerly Invitae), Labcorp
Classification: Uncertain significance for Familial cancer of breast. Last evaluated: 2023-10-20. Review status: criteria provided, single submitter. Criteria: Invitae Variant Classification Sherloc (09022015). Collection method: clinical testing. Allele origin: germline.
Comment: This sequence change replaces alanine, which is neutral and non-polar, with proline, which is neutral and non-polar, at codon 946 of the PALB2 protein (p.Ala946Pro). This variant is not present in population databases (gnomAD no frequency). This variant has not been reported in the literature in individuals affected with PALB2-related conditions. An algorithm developed to predict the effect of missense changes on protein structure and function (PolyPhen-2) suggests that this variant is likely to be disruptive. In summary, the available evidence is currently insufficient to determine the role of this variant in disease. Therefore, it has been classified as a Variant of Uncertain Significance.

NM_024675.4(PALB2):c.2836G>C (p.Ala946Pro)

Gene: PALB2 (partner and localizer of BRCA2; minus strand). Cytogenetic location: 16p12.2.
Variant type: single nucleotide variant.
Coding change: c.2836G>C on transcript NM_024675.4 (MANE Select); coding-DNA position 2836, G replaced by C.
Protein change: p.Ala946Pro; replaces alanine 946 with proline.
Molecular consequence: missense variant. On other transcripts: intron variant (1).
Genome position (GRCh38, 1-based): chr16:23,623,129, C>G on the plus strand (G>C on the coding strand, the complement: PALB2 is on the minus strand). VCF-style: chr16-23623129-C-G. GRCh37 (hg19) VCF-style: chr16-23634450-C-G.
Other names: c.2776G>C, p.Ala926Pro (NM_001407296.1); c.2764G>C, p.Ala922Pro (NM_001407297.1); c.2674G>C, p.Ala892Pro (NM_001407298.1, NM_001407302.1); c.2836G>C, p.Ala946Pro (NM_001407299.1, NM_001407301.1); c.1951G>C, p.Ala651Pro (NM_001407304.1, NM_001407305.1, NM_001407306.1 and 4 more transcripts); c.1789G>C, p.Ala597Pro (NM_001407307.1); c.1048G>C, p.Ala350Pro (NM_001407312.1, NM_001407313.1); c.370G>C, p.Ala124Pro (NM_001407314.1); and 1 more; short protein forms A350P, A651P, A892P, A922P, A926P, A124P, A597P, A946P.
Identifiers: ClinVar variation 2770050 (VCV002770050.3), dbSNP rs878855113, ClinGen allele CA395144541.